The following is an entry in ClinVar:

NM_006431.3(CCT2):c.1205A>T (p.Lys402Met)

Gene: CCT2 (chaperonin containing TCP1 subunit 2; plus strand). Cytogenetic location: 12q15.
Variant type: single nucleotide variant.
Coding change: c.1205A>T on transcript NM_006431.3 (MANE Select); coding-DNA position 1205, A replaced by T.
Protein change: p.Lys402Met; replaces lysine 402 with methionine.
Molecular consequence: missense variant.
Genome position (GRCh38, 1-based): chr12:69,597,740, A>T. VCF-style: chr12-69597740-A-T. GRCh37 (hg19) VCF-style: chr12-69991520-A-T.
Other names: c.1064A>T, p.Lys355Met (NM_001198842.2); short protein forms K402M, K355M.
Identifiers: ClinVar variation 594803 (VCV000594803.12), dbSNP rs755240724, ClinGen allele CA6680793.

ClinVar aggregate classification (germline): Uncertain significance. Review status: criteria provided, multiple submitters, no conflicts (2 of 4 stars). 2 submissions from 2 submitters: Uncertain significance (2). Last evaluated 2023-12-11.

Allele frequency attached by ClinVar (database versions not stated): TOPMed 0.00001; gnomAD exomes 0.00002 and 0.00003; gnomAD 0.00003; ExAC 0.00004.
gnomAD v4.1: 12 of 1,613,418 alleles (0.00074%); highest among the groups gnomAD compares: Non-Finnish European, 0.00034%; no homozygotes.

Submissions (2):

Labcorp Genetics (formerly Invitae), Labcorp
Classification: Uncertain significance. Last evaluated: 2023-12-11. Review status: criteria provided, single submitter. Criteria: Invitae Variant Classification Sherloc (09022015). Collection method: clinical testing. Allele origin: germline.
Comment: This sequence change replaces lysine, which is basic and polar, with methionine, which is neutral and non-polar, at codon 402 of the CCT2 protein (p.Lys402Met). This variant is present in population databases (rs755240724, gnomAD 0.01%). This variant has not been reported in the literature in individuals affected with CCT2-related conditions. ClinVar contains an entry for this variant (Variation ID: 594803). An algorithm developed to predict the effect of missense changes on protein structure and function (PolyPhen-2) suggests that this variant is likely to be disruptive. In summary, the available evidence is currently insufficient to determine the role of this variant in disease. Therefore, it has been classified as a Variant of Uncertain Significance.

Eurofins Ntd Llc (ga)
Classification: Uncertain significance. Last evaluated: 2017-10-30. Review status: criteria provided, single submitter. Criteria: EGL Classification Definitions 2015. Collection method: clinical testing. Allele origin: germline. Observed: 1 variant allele, 1 heterozygote.